The following is an entry in ClinVar:

NM_020831.6(MRTFA):c.2819T>C (p.Ile940Thr)

Gene: MRTFA (myocardin related transcription factor A; minus strand). Cytogenetic location: 22q13.1.
Variant type: single nucleotide variant.
Coding change: c.2819T>C on transcript NM_020831.6 (MANE Select); coding-DNA position 2819, T replaced by C.
Protein change: p.Ile940Thr; replaces isoleucine 940 with threonine.
Molecular consequence: missense variant. On other transcripts: 3 prime UTR variant (1).
Genome position (GRCh38, 1-based): chr22:40,411,667, A>G on the plus strand (T>C on the coding strand, the complement: MRTFA is on the minus strand). VCF-style: chr22-40411667-A-G. GRCh37 (hg19) VCF-style: chr22-40807671-A-G.
Other names: c.2519T>C, p.Ile840Thr (NM_001282660.2); c.2669T>C, p.Ile890Thr (NM_001282661.3); c.*132T>C (NM_001282662.3); c.2624T>C, p.Ile875Thr (NM_001318139.2); short protein forms I840T, I875T, I890T, I940T.
Identifiers: ClinVar variation 1682922 (VCV001682922.6), dbSNP rs1002921495, ClinGen allele CA324458259.
Genomic context (GRCh38, chr22:40,411,667, plus strand): 5'-GGTGACGGGGGGTGGTCCAGGATGGCAGTGCTGCTCAGCATCTGGCTATGGAGGTCGTCA[A>G]TGAGGGAAAGGGGCTCTGGCCCGTCATGCCCACTGGTCAGCAGGGGCAGCCCCGTGCTGC-3'
Protein context (NP_065882.2, residues 930-950): GHDGPEPLSL[Ile940Thr]DDLHSQMLSS

ClinVar aggregate classification (germline): Uncertain significance (1 of 4 stars; one submission).

Allele frequency attached by ClinVar (database versions not stated): gnomAD 0.00001; gnomAD exomes 0.00001; TOPMed 0.00002.
gnomAD v4.1: 15 of 1,610,386 alleles (0.00093%); highest among the groups gnomAD compares: Non-Finnish European, 0.0013%; no homozygotes.

Submission:

Labcorp Genetics (formerly Invitae), Labcorp
Classification: Uncertain significance. Last evaluated: 2025-09-28. Review status: criteria provided, single submitter. Criteria: Invitae Variant Classification Sherloc (09022015). Collection method: clinical testing. Allele origin: germline.
Comment: This sequence change replaces isoleucine, which is neutral and non-polar, with threonine, which is neutral and polar, at codon 840 of the MKL1 protein (p.Ile840Thr). This variant is present in population databases (no rsID available, gnomAD 0.002%). This variant has not been reported in the literature in individuals affected with MKL1-related conditions. ClinVar contains an entry for this variant (Variation ID: 1682922). An algorithm developed to predict the effect of missense changes on protein structure and function (PolyPhen-2) suggests that this variant is likely to be disruptive. In summary, the available evidence is currently insufficient to determine the role of this variant in disease. Therefore, it has been classified as a Variant of Uncertain Significance.